The following is an entry in ClinVar:

ClinVar aggregate classification (germline): Uncertain significance. Review status: criteria provided, multiple submitters, no conflicts (2 of 4 stars). 4 submissions from 4 submitters: Uncertain significance (4). Last evaluated 2026-07-06.

Conditions:
BAP1-related tumor predisposition syndrome (TPDS1). Also called: COMMON Syndrome; TUMOR PREDISPOSITION SYNDROME 1; BAP1 tumor predisposition syndrome; Tumor susceptibility linked to germline BAP1 mutations. Identifiers: Orphanet 289539, MedGen C3280492, MONDO:0013692, OMIM 614327.
Hereditary cancer-predisposing syndrome. Also called: Hereditary neoplastic syndrome; Hereditary Cancer Syndrome; Neoplastic Syndromes, Hereditary; Tumor predisposition. Identifiers: Orphanet 140162, MedGen C0027672, MeSH D009386, MONDO:0015356.

Submissions (4):

Ambry Genetics
Classification: Uncertain significance for Hereditary cancer-predisposing syndrome. Last evaluated: 2026-07-06. Review status: criteria provided, single submitter. Criteria: Ambry Variant Classification Scheme 2023. Collection method: clinical testing. Allele origin: germline.
Comment: The p.A514G variant (also known as c.1541C>G), located in coding exon 13 of the BAP1 gene, results from a C to G substitution at nucleotide position 1541. The alanine at codon 514 is replaced by glycine, an amino acid with similar properties. This amino acid position is conserved. In addition, this alteration is predicted to be tolerated by in silico analysis. Based on the available evidence, the clinical significance of this variant remains unclear.

Labcorp Genetics (formerly Invitae), Labcorp
Classification: Uncertain significance for BAP1-related tumor predisposition syndrome. Last evaluated: 2026-01-14. Review status: criteria provided, single submitter. Criteria: Invitae Variant Classification Sherloc (09022015). Collection method: clinical testing. Allele origin: germline.
Comment: This sequence change replaces alanine, which is neutral and non-polar, with glycine, which is neutral and non-polar, at codon 514 of the BAP1 protein (p.Ala514Gly). This variant is not present in population databases (gnomAD no frequency). This variant has not been reported in the literature in individuals affected with BAP1-related conditions. ClinVar contains an entry for this variant (Variation ID: 2679903). Invitae Evidence Modeling of protein sequence and biophysical properties (such as structural, functional, and spatial information, amino acid conservation, physicochemical variation, residue mobility, and thermodynamic stability) indicates that this missense variant is not expected to disrupt BAP1 protein function with a negative predictive value of 80%. In summary, the available evidence is currently insufficient to determine the role of this variant in disease. Therefore, it has been classified as a Variant of Uncertain Significance.

Quest Diagnostics Nichols Institute San Juan Capistrano
Classification: Uncertain significance. Last evaluated: 2025-05-22. Review status: criteria provided, single submitter. Criteria: Quest Diagnostics criteria. Collection method: clinical testing. Allele origin: unknown.
Comment: The BAP1 c.1541C>G (p.Ala514Gly) variant has not been reported in individuals with BAP1-related conditions in the published literature. It also has not been reported in large, multi-ethnic general populations (Genome Aggregation Database). Analysis of this variant using bioinformatics tools for the prediction of the effect of amino acid changes on protein structure and function yielded predictions that this variant is benign. Based on the available information, we are unable to determine the clinical significance of this variant.

Baylor Genetics
Classification: Uncertain significance for BAP1-related tumor predisposition syndrome. Last evaluated: 2023-07-29. Review status: criteria provided, single submitter. Criteria: ACMG Guidelines, 2015. Collection method: clinical testing. Allele origin: unknown.

NM_004656.4(BAP1):c.1541C>G (p.Ala514Gly)

Gene: BAP1 (BRCA1 associated deubiquitinase 1; minus strand). Cytogenetic location: 3p21.1.
Variant type: single nucleotide variant.
Coding change: c.1541C>G on transcript NM_004656.4 (MANE Select); coding-DNA position 1541, C replaced by G.
Protein change: p.Ala514Gly; replaces alanine 514 with glycine.
Molecular consequence: missense variant.
Genome position (GRCh38, 1-based): chr3:52,403,604, G>C on the plus strand (C>G on the coding strand, the complement: BAP1 is on the minus strand). VCF-style: chr3-52403604-G-C. GRCh37 (hg19) VCF-style: chr3-52437620-G-C.
Other names: c.1541C>G (NM_004656.3); c.1487C>G, p.Ala496Gly (NM_001410772.1); short protein forms A496G, A514G.
Identifiers: ClinVar variation 2679903 (VCV002679903.4), dbSNP rs2153226676, ClinGen allele CA353100766.